The following is an entry in ClinVar:

ClinVar aggregate classification (germline): Conflicting classifications of pathogenicity. Review status: criteria provided, conflicting classifications (1 of 4 stars). 2 submissions from 2 submitters: Uncertain significance (1); Likely benign (1). Last evaluated 2025-12-08.

Conditions:
Menkes kinky-hair syndrome (MNK). Also called: Copper transport disease; Menkes Disease; Classic Menkes Disease. Identifiers: Orphanet 565, MedGen C0022716, MONDO:0010651, OMIM 309400.
Cutis laxa, X-linked (OHS). Also called: EDS IX; Occipital horn syndrome. Identifiers: Orphanet 198, MedGen C0268353, MONDO:0010572, OMIM 304150.
X-linked distal spinal muscular atrophy type 3. Also called: ATP7A-Related Distal Motor Neuropathy; SPINAL MUSCULAR ATROPHY, DISTAL, X-LINKED RECESSIVE; NEURONOPATHY, DISTAL HEREDITARY MOTOR, X-LINKED; NEUROPATHY, DISTAL HEREDITARY MOTOR, X-LINKED. Identifiers: Orphanet 139557, MedGen C1845359, MONDO:0010338, OMIM 300489.
Inborn genetic diseases. Identifiers: MedGen C0950123, MeSH D030342.

Allele frequency attached by ClinVar (database versions not stated): gnomAD exomes below 0.00001.
gnomAD v4.1: 3 of 1,208,834 alleles (0.00025%); highest among the groups gnomAD compares: Non-Finnish European, 0.00034%; no homozygotes.

Submissions (2):

Ambry Genetics
Classification: Uncertain significance for Inborn genetic diseases. Last evaluated: 2025-12-08. Review status: criteria provided, single submitter. Criteria: Ambry Variant Classification Scheme 2023. Collection method: clinical testing. Allele origin: germline.
Comment: The c.2453C>T (p.T818I) alteration is located in exon 11 (coding exon 10) of the ATP7A gene. This alteration results from a C to T substitution at nucleotide position 2453, causing the threonine (T) at amino acid position 818 to be replaced by an isoleucine (I). Based on data from gnomAD, the T allele has an overall frequency of <0.001% (1/182696) total alleles studied. The highest observed frequency was 0.001% (1/81743) of European (non-Finnish) alleles. Based on insufficient or conflicting evidence, the clinical significance of this alteration remains unclear.

Labcorp Genetics (formerly Invitae), Labcorp
Classification: Likely benign for X-linked distal spinal muscular atrophy type 3; Cutis laxa, X-linked; Menkes kinky-hair syndrome. Last evaluated: 2025-10-01. Review status: criteria provided, single submitter. Criteria: Invitae Variant Classification Sherloc (09022015). Collection method: clinical testing. Allele origin: germline.

NM_000052.7(ATP7A):c.2453C>T (p.Thr818Ile)

Gene: ATP7A (ATPase copper transporting alpha; plus strand). Cytogenetic location: Xq21.1.
Variant type: single nucleotide variant.
Coding change: c.2453C>T on transcript NM_000052.7 (MANE Select); coding-DNA position 2453, C replaced by T.
Protein change: p.Thr818Ile; replaces threonine 818 with isoleucine.
Molecular consequence: missense variant.
Genome position (GRCh38, 1-based): chrX:78,014,708, C>T. VCF-style: chrX-78014708-C-T. GRCh37 (hg19) VCF-style: chrX-77270205-C-T.
Other names: c.2219C>T, p.Thr740Ile (NM_001282224.2); c.2453C>T (NM_000052.4); short protein forms T740I, T818I.
Identifiers: ClinVar variation 2931947 (VCV002931947.4), dbSNP rs1557234937, ClinGen allele CA413599973.